The following is an entry in ClinVar:

NM_000017.4(ACADS):c.304A>G (p.Met102Val)

Gene: ACADS (acyl-CoA dehydrogenase short chain; plus strand). Cytogenetic location: 12q24.31.
Variant type: single nucleotide variant.
Coding change: c.304A>G on transcript NM_000017.4 (MANE Select); coding-DNA position 304, A replaced by G.
Protein change: p.Met102Val; replaces methionine 102 with valine.
Molecular consequence: missense variant.
Genome position (GRCh38, 1-based): chr12:120,737,079, A>G. VCF-style: chr12-120737079-A-G. GRCh37 (hg19) VCF-style: chr12-121174882-A-G.
Other names: c.304A>G, p.Met102Val (NM_001302554.2); short protein forms M102V.
Identifiers: ClinVar variation 529845 (VCV000529845.1), dbSNP rs766216232, ClinGen allele CA6830820.

ClinVar aggregate classification (germline): Uncertain significance (1 of 4 stars; one submission).

Conditions:
Deficiency of butyryl-CoA dehydrogenase (ACADSD). Also called: SCAD DEFICIENCY, MILD; ACYL-CoA DEHYDROGENASE, SHORT-CHAIN, DEFICIENCY OF; SCADH DEFICIENCY; SCAD Deficiency; ACADS DEFICIENCY; Short-Chain Acyl-CoA Dehydrogenase Deficiency. Identifiers: Orphanet 26792, MedGen C0342783, MONDO:0008722, OMIM 201470. Disease mechanism: May be benign.

Allele frequency attached by ClinVar (database versions not stated): ExAC 0.00001; gnomAD 0.00001; gnomAD exomes 0.00001; TOPMed 0.00005.

Submission:

Labcorp Genetics (formerly Invitae), Labcorp
Classification: Uncertain significance for Deficiency of butyryl-CoA dehydrogenase. Last evaluated: 2017-11-22. Review status: criteria provided, single submitter. Criteria: Invitae Variant Classification Sherloc (09022015). Collection method: clinical testing. Allele origin: germline.
Comment: This sequence change replaces methionine with valine at codon 102 of the ACADS protein (p.Met102Val). The methionine residue is weakly conserved and there is a small physicochemical difference between methionine and valine. This variant is present in population databases (rs766216232, ExAC 0.002%). This variant has not been reported in the literature in individuals with ACADS-related disease. Algorithms developed to predict the effect of missense changes on protein structure and function output the following: SIFT: "Tolerated"; PolyPhen-2: "Benign"; Align-GVGD: "Class C0". The valine amino acid residue is found in multiple mammalian species, suggesting that this missense change does not adversely affect protein function. These predictions have not been confirmed by published functional studies and their clinical significance is uncertain. In summary, the available evidence is currently insufficient to determine the role of this variant in disease. Therefore, it has been classified as a Variant of Uncertain Significance.